The following is an entry in ClinVar:

ClinVar aggregate classification (germline): Pathogenic/Likely pathogenic. Review status: criteria provided, multiple submitters, no conflicts (2 of 4 stars). 3 submissions from 3 submitters: Pathogenic (1); Likely pathogenic (2). Last evaluated 2024-10-04.

Conditions:
Hermansky-Pudlak syndrome (HPS). Also called: ALBINISM WITH HEMORRHAGIC DIATHESIS AND PIGMENTED RETICULOENDOTHELIAL CELLS. Identifiers: Orphanet 79430, MedGen C0079504, MONDO:0019312.
Hermansky-Pudlak syndrome 3 (HPS3). Identifiers: Orphanet 231512, Orphanet 79430, MedGen C3888001, MONDO:0013555, OMIM 614072.

Allele frequency attached by ClinVar (database versions not stated): gnomAD exomes below 0.00001 and 0.00001; gnomAD 0.00001; TOPMed 0.00002.

Submissions (3):

Natera, Inc.
Classification: Likely pathogenic for Hermansky-Pudlak syndrome. Last evaluated: 2024-10-04. Review status: criteria provided, single submitter. Criteria: Natera Variant Classification Schema (03/2026). Collection method: clinical testing. Allele origin: germline.
Comment: The c.2318delC variant in HPS3 is a frameshift variant predicted to shift the reading frame beginning at codon 773 and leads to a stop codon 7 codons downstream. This variant is expected to result in nonsense mediated decay, truncation, or a dysfunctional protein product. This variant is rare in the general population with a frequency below the threshold expected for the associated phenotype(s). Given the available evidence, this variant is classified as Likely Pathogenic.

Fulgent Genetics
Classification: Likely pathogenic for Hermansky-Pudlak syndrome 3. Last evaluated: 2024-06-13. Review status: criteria provided, single submitter. Criteria: ACMG Guidelines, 2015. Collection method: clinical testing. Allele origin: germline.

Labcorp Genetics (formerly Invitae), Labcorp
Classification: Pathogenic. Last evaluated: 2023-04-11. Review status: criteria provided, single submitter. Criteria: Invitae Variant Classification Sherloc (09022015). Collection method: clinical testing. Allele origin: germline.
Comment: ClinVar contains an entry for this variant (Variation ID: 1359726). This variant has not been reported in the literature in individuals affected with HPS3-related conditions. This variant is present in population databases (no rsID available, gnomAD 0.0009%). This sequence change creates a premature translational stop signal (p.Thr773Lysfs*7) in the HPS3 gene. It is expected to result in an absent or disrupted protein product. Loss-of-function variants in HPS3 are known to be pathogenic (PMID: 11590544). For these reasons, this variant has been classified as Pathogenic. Algorithms developed to predict the effect of sequence changes on RNA splicing suggest that this variant may create or strengthen a splice site.

Literature cited by the submitters: PubMed 11590544 (cited by Labcorp Genetics (formerly Invitae), Labcorp).

NM_032383.5(HPS3):c.2318del (p.Thr773fs)

Genes: CP (ceruloplasmin; minus strand), HPS3 (HPS3 biogenesis of lysosomal organelles complex 2 subunit 1; plus strand). Cytogenetic location: 3q24.
Variant type: Deletion.
Coding change: c.2318del on transcript NM_032383.5 (MANE Select); coding-DNA position 2318, one base deleted (C; older notation c.2318delC).
Protein change: p.Thr773fs; shifts the reading frame from threonine 773.
Molecular consequence: frameshift variant. On other transcripts: non-coding transcript variant (1).
Genome position (GRCh38, 1-based): chr3:149,162,715, C deleted. VCF-style (leftmost placement, unchanged base first): chr3-149162714-AC-A. GRCh37 (hg19) VCF-style: chr3-148880501-AC-A.
Other names: c.2318delC (NM_032383.4); c.1823del, p.Thr608fs (NM_001308258.2); short protein forms T608fs, T773fs.
Identifiers: ClinVar variation 1359726 (VCV001359726.8), dbSNP rs866769733, ClinGen allele CA85514705.